The following is an entry in ClinVar:

ClinVar aggregate classification (germline): Uncertain significance (1 of 4 stars; one submission).

Submission:

Labcorp Genetics (formerly Invitae), Labcorp
Classification: Uncertain significance. Last evaluated: 2022-04-13. Review status: criteria provided, single submitter. Criteria: Invitae Variant Classification Sherloc (09022015). Collection method: clinical testing. Allele origin: germline.
Comment: This sequence change replaces valine, which is neutral and non-polar, with isoleucine, which is neutral and non-polar, at codon 52 of the PHYH protein (p.Val52Ile). Information on the frequency of this variant in the gnomAD database is not available, as this variant may be reported differently in the database. This variant has not been reported in the literature in individuals affected with PHYH-related conditions. Experimental studies and prediction algorithms are not available or were not evaluated, and the functional significance of this variant is currently unknown. In summary, the available evidence is currently insufficient to determine the role of this variant in disease. Therefore, it has been classified as a Variant of Uncertain Significance.

NM_006214.4(PHYH):c.153_154delinsTA (p.Val52Ile)

Gene: PHYH (phytanoyl-CoA 2-hydroxylase; minus strand). Cytogenetic location: 10p13.
Variant type: Indel.
Coding change: c.153_154delinsTA on transcript NM_006214.4 (MANE Select); coding-DNA positions 153 to 154, CG replaced by TA.
Protein change: p.Val52Ile; replaces valine 52 with isoleucine.
Molecular consequence: missense variant. On other transcripts: 5 prime UTR variant (3).
Genome position (GRCh38, 1-based): chr10:13,295,587-13,295,588, CG replaced by TA on the plus strand (CG replaced by TA on the coding strand, the reverse complement: PHYH is on the minus strand). VCF-style: chr10-13295587-CG-TA. GRCh37 (hg19) VCF-style: chr10-13337587-CG-TA.
Other names: c.-148_-147delinsTA (NM_001037537.2, NM_001323080.2, NM_001323084.2); c.153_154delinsTA, p.Val52Ile (NM_001323082.2, NM_001323083.2); short protein forms V52I.
Identifiers: ClinVar variation 1937656 (VCV001937656.2), dbSNP rs2538658944, ClinGen allele CA2580081348.